The following is an entry in ClinVar:

ClinVar aggregate classification (germline): Likely benign. Review status: criteria provided, multiple submitters, no conflicts (2 of 4 stars). 3 submissions from 3 submitters: Likely benign (3). Last evaluated 2025-12-14.

Conditions:
Cardiovascular phenotype. Identifiers: MedGen CN230736.
Telangiectasia, hereditary hemorrhagic, type 5 (HHT5). Identifiers: Orphanet 774, MedGen C3809710, MONDO:0014217, OMIM 615506.

Allele frequency attached by ClinVar (database versions not stated): gnomAD 0.00001 and 0.00002; TOPMed 0.00002; ExAC 0.00004; gnomAD exomes 0.00004 and 0.00005.
gnomAD v4.1: 70 of 1,613,910 alleles (0.0043%); highest among the groups gnomAD compares: Middle Eastern, 0.049%; no homozygotes.

Submissions (3):

Labcorp Genetics (formerly Invitae), Labcorp
Classification: Likely benign for Telangiectasia, hereditary hemorrhagic, type 5. Last evaluated: 2025-12-14. Review status: criteria provided, single submitter. Criteria: Invitae Variant Classification Sherloc (09022015). Collection method: clinical testing. Allele origin: germline.

CeGaT Center for Human Genetics Tuebingen
Classification: Likely benign. Last evaluated: 2024-01-01. Review status: criteria provided, single submitter. Criteria: CeGaT Center For Human Genetics Tuebingen Variant Classification Criteria Version 2. Collection method: clinical testing. Allele origin: germline. Affected: yes. Observed: 1 variant allele.
Comment: GDF2: BP4, BP7

Ambry Genetics
Classification: Likely benign for Cardiovascular phenotype. Last evaluated: 2019-08-05. Review status: criteria provided, single submitter. Criteria: Ambry Variant Classification Scheme 2023. Collection method: clinical testing. Allele origin: germline.

NM_016204.4(GDF2):c.1068T>C (p.Cys356=)

Gene: GDF2 (growth differentiation factor 2; plus strand). Cytogenetic location: 10q11.22.
Variant type: single nucleotide variant.
Coding change: c.1068T>C on transcript NM_016204.4 (MANE Select); coding-DNA position 1068, T replaced by C.
Protein change: p.Cys356=; no amino-acid change (cysteine 356 retained).
Molecular consequence: synonymous variant.
Genome position (GRCh38, 1-based): chr10:47,325,562, T>C. VCF-style: chr10-47325562-T-C. GRCh37 (hg19) VCF-style: chr10-48413800-A-G.
Identifiers: ClinVar variation 697259 (VCV000697259.34), dbSNP rs781876898, ClinGen allele CA5487954.
Genomic context (GRCh38, chr10:47,325,562, plus strand): 5'-CGAGGACATCGGCTGGGACAGCTGGATCATTGCACCCAAGGAGTATGAAGCCTACGAGTG[T>C]AAGGGCGGCTGCTTCTTCCCCTTGGCTGACGATGTGACGCCGACGAAACACGCTATCGTG-3'
Protein context (NP_057288.1, residues 346-366): IAPKEYEAYE[Cys356=]KGGCFFPLAD